The following is an entry in ClinVar:

NM_001244710.2(GFPT1):c.686-8A>G

Gene: GFPT1 (glutamine--fructose-6-phosphate transaminase 1; minus strand). Cytogenetic location: 2p13.3.
Variant type: single nucleotide variant.
Coding change: c.686-8A>G on transcript NM_001244710.2 (MANE Select); 8 bases into the intron before coding-DNA position 686, A replaced by G.
Molecular consequence: intron variant.
Genome position (GRCh38, 1-based): chr2:69,354,320, T>C on the plus strand (A>G on the coding strand, the complement: GFPT1 is on the minus strand). VCF-style: chr2-69354320-T-C. GRCh37 (hg19) VCF-style: chr2-69581452-T-C.
Other names: c.686-8A>G (NM_001244710.1); c.685+169A>G (NM_002056.4).
Identifiers: ClinVar variation 1117107 (VCV001117107.11), dbSNP rs747052866, ClinGen allele CA1693802.

ClinVar aggregate classification (germline): Likely benign. Review status: criteria provided, single submitter (1 of 4 stars). 2 submissions from 2 submitters: Likely benign (1). 1 of the submissions does not count toward it. Last evaluated 2023-05-08.

Conditions:
GFPT1-related disorder. Also called: GFPT1-related condition.
Congenital myasthenic syndrome 12 (CMS12). Also called: MYASTHENIC SYNDROME, CONGENITAL, WITH TUBULAR AGGREGATES 1; Myasthenia, congenital, 12, with tubular aggregates. Identifiers: Orphanet 353327, Orphanet 590, MedGen C3552335, MONDO:0012518, OMIM 610542.

Allele frequency attached by ClinVar (database versions not stated): gnomAD 0.00001; gnomAD exomes 0.00001 and 0.00003; TOPMed 0.00001; ExAC 0.00003.
gnomAD v4.1: 23 of 1,587,158 alleles (0.0014%); highest among the groups gnomAD compares: Middle Eastern, 0.017%; no homozygotes.

Submissions (2):

Labcorp Genetics (formerly Invitae), Labcorp
Classification: Likely benign for Congenital myasthenic syndrome 12. Last evaluated: 2023-05-08. Review status: criteria provided, single submitter. Criteria: Invitae Variant Classification Sherloc (09022015). Collection method: clinical testing. Allele origin: germline.

PreventionGenetics, part of Exact Sciences
Classification: Likely benign for GFPT1-related condition. Last evaluated: 2024-01-29. Review status: no assertion criteria provided. Collection method: clinical testing. Allele origin: germline. Not counted in ClinVar's aggregate classification.
Comment: This variant is classified as likely benign based on ACMG/AMP sequence variant interpretation guidelines (Richards et al. 2015 PMID: 25741868, with internal and published modifications).